The following is an entry in ClinVar:

ClinVar aggregate classification (germline): Uncertain significance. Review status: criteria provided, multiple submitters, no conflicts (2 of 4 stars). 2 submissions from 2 submitters: Uncertain significance (2). Last evaluated 2024-05-13.

Conditions:
Hereditary nonpolyposis colorectal neoplasms. Identifiers: MedGen C0009405, MeSH D003123.
Hereditary cancer-predisposing syndrome. Also called: Tumor predisposition; Hereditary neoplastic syndrome; Neoplastic Syndromes, Hereditary; Hereditary Cancer Syndrome. Identifiers: Orphanet 140162, MedGen C0027672, MeSH D009386, MONDO:0015356.

Allele frequency attached by ClinVar (database versions not stated): ExAC 0.00001; gnomAD exomes 0.00001.

Submissions (2):

Ambry Genetics
Classification: Uncertain significance for Hereditary cancer-predisposing syndrome. Last evaluated: 2024-05-13. Review status: criteria provided, single submitter. Criteria: Ambry Variant Classification Scheme 2023. Collection method: clinical testing. Allele origin: germline.
Comment: The c.163+3A>G intronic variant results from an A to G substitution 3 nucleotides after coding exon 2 in the PMS2 gene. This nucleotide position is not well conserved in available vertebrate species. In silico splice site analysis predicts that this alteration will not have any significant effect on splicing. Based on the available evidence, the clinical significance of this variant remains unclear.

Labcorp Genetics (formerly Invitae), Labcorp
Classification: Uncertain significance for Hereditary nonpolyposis colorectal neoplasms. Last evaluated: 2021-11-05. Review status: criteria provided, single submitter. Criteria: Invitae Variant Classification Sherloc (09022015). Collection method: clinical testing. Allele origin: germline.
Comment: In summary, the available evidence is currently insufficient to determine the role of this variant in disease. Therefore, it has been classified as a Variant of Uncertain Significance. This sequence change falls in intron 2 of the PMS2 gene. It does not directly change the encoded amino acid sequence of the PMS2 protein. It affects a nucleotide within the consensus splice site. This variant is present in population databases (rs763369532, gnomAD 0.003%). This variant has not been reported in the literature in individuals affected with PMS2-related conditions. ClinVar contains an entry for this variant (Variation ID: 960054). Variants that disrupt the consensus splice site are a relatively common cause of aberrant splicing (PMID: 17576681, 9536098). Algorithms developed to predict the effect of sequence changes on RNA splicing suggest that this variant is not likely to affect RNA splicing.

Literature cited by the submitters: PubMed 17576681 (cited by Labcorp Genetics (formerly Invitae), Labcorp); PubMed 9536098 (cited by Labcorp Genetics (formerly Invitae), Labcorp).

NM_000535.7(PMS2):c.163+3A>G

Gene: PMS2 (PMS1 homolog 2, mismatch repair system component; minus strand). Cytogenetic location: 7p22.1.
Variant type: single nucleotide variant.
Coding change: c.163+3A>G on transcript NM_000535.7 (MANE Select); 3 bases into the intron after coding-DNA position 163, A replaced by G.
Molecular consequence: intron variant.
Genome position (GRCh38, 1-based): chr7:6,005,889, T>C on the plus strand (A>G on the coding strand, the complement: PMS2 is on the minus strand). VCF-style: chr7-6005889-T-C. GRCh37 (hg19) VCF-style: chr7-6045520-T-C.
Other names: c.-52-1831A>G (NM_001322008.2); c.-242-1831A>G (NM_001322010.2, NM_001322004.2); c.-243+3A>G (NM_001322013.2, NM_001322003.2, NM_001322009.2 and 1 more transcripts); c.-722+3A>G (NM_001322012.2, NM_001322011.2); c.-322+3A>G (NM_001322015.2); c.-53+3A>G (NM_001322007.2); c.163+3A>G (NM_001322006.2, NM_001322014.2).
Identifiers: ClinVar variation 960054 (VCV000960054.8), dbSNP rs763369532, ClinGen allele CA044773.
Genomic context (GRCh38, chr7:6,005,889, plus strand): 5'-GTTTCTTAACTACAACAACATTCACAGATCATTTCTTGTGGCTTAAAACTCTCCCAAACT[T>C]ACCAATATTAGTGGCACCAGCATCCAGACTGTTTTCTACTAACTCCTTTACCGCAGTGCT-3'